The following is an entry in ClinVar:

NM_001035.3(RYR2):c.5538T>C (p.Ile1846=)

Gene: RYR2 (ryanodine receptor 2; plus strand). Cytogenetic location: 1q43.
Variant type: single nucleotide variant.
Coding change: c.5538T>C on transcript NM_001035.3 (MANE Select); coding-DNA position 5538, T replaced by C.
Protein change: p.Ile1846=; no amino-acid change (isoleucine 1846 retained).
Molecular consequence: synonymous variant.
Genome position (GRCh38, 1-based): chr1:237,614,666, T>C. VCF-style: chr1-237614666-T-C. GRCh37 (hg19) VCF-style: chr1-237777966-T-C.
Identifiers: ClinVar variation 3074148 (VCV003074148.2), dbSNP rs2546796622, ClinGen allele CA424031146.

ClinVar aggregate classification (germline): Likely benign. Review status: criteria provided, multiple submitters, no conflicts (2 of 4 stars). 2 submissions from 2 submitters: Likely benign (2). Last evaluated 2025-11-21.

Conditions:
Catecholaminergic polymorphic ventricular tachycardia (CVPT). Also called: Catecholamine-induced polymorphic ventricular tachycardia. Identifiers: Orphanet 3286, MedGen C5574922, MONDO:0017990.
Catecholaminergic polymorphic ventricular tachycardia 1. Also called: VENTRICULAR TACHYCARDIA, CATECHOLAMINERGIC POLYMORPHIC, 1, WITH OR WITHOUT ATRIAL DYSFUNCTION AND/OR DILATED CARDIOMYOPATHY; RYR2-Related Catecholaminergic Polymorphic Ventricular Tachycardia; VENTRICULAR TACHYCARDIA, STRESS-INDUCED POLYMORPHIC 1. Identifiers: Orphanet 3286, MedGen C1631597, MONDO:0011484, OMIM 604772.

Allele frequency attached by ClinVar (database versions not stated): gnomAD exomes below 0.00001.
gnomAD v4.1: 1 of 1,614,000 alleles (0.000062%); highest among the groups gnomAD compares: Non-Finnish European, 0.000085%; no homozygotes.

Submissions (2):

Labcorp Genetics (formerly Invitae), Labcorp
Classification: Likely benign for Catecholaminergic polymorphic ventricular tachycardia 1. Last evaluated: 2025-11-21. Review status: criteria provided, single submitter. Criteria: Invitae Variant Classification Sherloc (09022015). Collection method: clinical testing. Allele origin: germline.

All of Us Research Program, National Institutes of Health
Classification: Likely benign for Catecholaminergic polymorphic ventricular tachycardia. Last evaluated: 2023-10-23. Review status: criteria provided, single submitter. Criteria: ACMG Guidelines, 2015. Collection method: clinical testing. Allele origin: germline. Inheritance: Autosomal dominant inheritance. Observed: 1 variant allele, 1 heterozygote.
Comment: This study involves interpretation of variants in research participants for the purpose of population health screening. Participant phenotype was not available at the time of variant classification. Additional details can be found in publication PMID: 35346344, PMCID: PMC8962531